The following is an entry in ClinVar:

NM_007294.4(BRCA1):c.2128dup (p.Thr710fs)

Gene: BRCA1 (BRCA1 DNA repair associated; minus strand). Cytogenetic location: 17q21.31.
Variant type: Duplication.
Coding change: c.2128dup on transcript NM_007294.4 (MANE Select); coding-DNA position 2128, one base duplicated (A; older notation c.2128dupA).
Protein change: p.Thr710fs; shifts the reading frame from threonine 710.
Molecular consequence: frameshift variant. On other transcripts: intron variant (137).
Genome position (GRCh38, 1-based): chr17:43,093,403, T duplicated on the plus strand (A on the coding strand, the reverse complement: BRCA1 is on the minus strand). VCF-style (leftmost placement, unchanged base first): chr17-43093402-G-GT. GRCh37 (hg19) VCF-style: chr17-41245419-G-GT.
Other names: c.2128dupA (NM_007294.3); c.2128dup, p.Thr710fs (NM_001407585.1, NM_001407593.1, NM_001407594.1 and 30 more transcripts); c.2125dup, p.Thr709fs (NM_001407587.1, NM_001407590.1, NM_001407591.1 and 22 more transcripts); c.2119dup, p.Thr707fs (NM_001407646.1, NM_001407647.1); c.2005dup, p.Thr669fs (NM_001407648.1, NM_001407664.1, NM_001407665.1 and 19 more transcripts); c.2002dup, p.Thr668fs (NM_001407649.1, NM_001407670.1, NM_001407671.1 and 11 more transcripts); c.2050dup, p.Thr684fs (NM_001407653.1, NM_001407654.1, NM_001407655.1 and 4 more transcripts); c.2047dup, p.Thr683fs (NM_001407659.1, NM_001407660.1, NM_001407661.1 and 1 more transcripts); and 42 more; short protein forms T663fs, T710fs, T621fs, T642fs, T668fs, T669fs, T707fs, T414fs.
Identifiers: ClinVar variation 548263 (VCV000548263.2), dbSNP rs1555590415, ClinGen allele CA658824018.
Genomic context (GRCh38, chr17:43,093,402, plus strand): 5'-TCTTCTCTTGGAAGGCTAGGATTGACAAATTCTTTAAGTTCACTGGTATTTGAACACTTA[G>GT]TAAAAGAACCAGGTGCATTTGTTAACTTCAGCTCTGGGAAAGTATCGCTGTCATGTCTTT-3'

ClinVar aggregate classification (germline): Pathogenic (3 of 4 stars; one submission).

Conditions:
Breast-ovarian cancer, familial, susceptibility to, 1 (BROVCA1). Also called: BRCA1 Hereditary Breast and Ovarian Cancer; OVARIAN CANCER, SUSCEPTIBILITY TO. Identifiers: Orphanet 145, MedGen C2676676, MONDO:0011450, OMIM 604370. Disease mechanism: loss of function.

Submission:

Evidence-based Network for the Interpretation of Germline Mutant Alleles (ENIGMA)
Classification: Pathogenic for Breast-ovarian cancer, familial, susceptibility to, 1. Last evaluated: 2017-12-15. Review status: reviewed by expert panel. Criteria: ENIGMA BRCA1/2 Classification Criteria (2017-06-29). Collection method: curation. Allele origin: germline. Study: ENIGMA.
Comment: Variant allele predicted to encode a truncated non-functional protein.